The following is an entry in ClinVar:

ClinVar aggregate classification (germline): Uncertain significance (1 of 4 stars; one submission).

gnomAD v4.1: 3 of 1,613,502 alleles (0.00019%); highest among the groups gnomAD compares: South Asian, 0.0011%; no homozygotes.

Submission:

Labcorp Genetics (formerly Invitae), Labcorp
Classification: Uncertain significance. Last evaluated: 2024-04-22. Review status: criteria provided, single submitter. Criteria: Invitae Variant Classification Sherloc (09022015). Collection method: clinical testing. Allele origin: germline.
Comment: This sequence change replaces arginine, which is basic and polar, with tryptophan, which is neutral and slightly polar, at codon 345 of the RELB protein (p.Arg345Trp). This variant is not present in population databases (gnomAD no frequency). This variant has not been reported in the literature in individuals affected with RELB-related conditions. An algorithm developed to predict the effect of missense changes on protein structure and function (PolyPhen-2) suggests that this variant is likely to be disruptive. In summary, the available evidence is currently insufficient to determine the role of this variant in disease. Therefore, it has been classified as a Variant of Uncertain Significance.

NM_006509.4(RELB):c.1033C>T (p.Arg345Trp)

Gene: RELB (RELB proto-oncogene, NF-kB subunit; plus strand). Cytogenetic location: 19q13.32.
Variant type: single nucleotide variant.
Coding change: c.1033C>T on transcript NM_006509.4 (MANE Select); coding-DNA position 1033, C replaced by T.
Protein change: p.Arg345Trp; replaces arginine 345 with tryptophan.
Molecular consequence: missense variant.
Genome position (GRCh38, 1-based): chr19:45,032,575, C>T. VCF-style: chr19-45032575-C-T. GRCh37 (hg19) VCF-style: chr19-45535833-C-T.
Other names: c.1024C>T, p.Arg342Trp (NM_001411087.1); short protein forms R342W, R345W.
Identifiers: ClinVar variation 3700591 (VCV003700591.2).